The following is an entry in ClinVar:

NM_024301.5(FKRP):c.836G>C (p.Trp279Ser)

Gene: FKRP (fukutin related protein; plus strand). Cytogenetic location: 19q13.32.
Variant type: single nucleotide variant.
Coding change: c.836G>C on transcript NM_024301.5 (MANE Select); coding-DNA position 836, G replaced by C.
Protein change: p.Trp279Ser; replaces tryptophan 279 with serine.
Molecular consequence: missense variant.
Genome position (GRCh38, 1-based): chr19:46,756,286, G>C. VCF-style: chr19-46756286-G-C. GRCh37 (hg19) VCF-style: chr19-47259543-G-C.
Other names: c.836G>C, p.Trp279Ser (NM_001039885.3); short protein forms W279S.
Identifiers: ClinVar variation 528811 (VCV000528811.8), dbSNP rs1555738797, ClinGen allele CA406496107.

ClinVar aggregate classification (germline): Uncertain significance (1 of 4 stars; one submission).

Conditions:
Walker-Warburg congenital muscular dystrophy. Also called: Muscular dystrophy-dystroglycanopathy, type A; Walker-Warburg syndrome. Identifiers: Orphanet 899, MedGen C0265221, MONDO:0000171.

Submission:

Labcorp Genetics (formerly Invitae), Labcorp
Classification: Uncertain significance for Walker-Warburg congenital muscular dystrophy. Last evaluated: 2017-12-03. Review status: criteria provided, single submitter. Criteria: Invitae Variant Classification Sherloc (09022015). Collection method: clinical testing. Allele origin: germline.
Comment: While this variant is not present in population databases, the frequency information is unreliable, as metrics indicate poor data quality at this position in the ExAC database. This sequence change replaces tryptophan with serine at codon 279 of the FKRP protein (p.Trp279Ser). The tryptophan residue is moderately conserved and there is a large physicochemical difference between tryptophan and serine. This variant has not been reported in the literature in individuals with FKRP-related disease. In summary, the available evidence is currently insufficient to determine the role of this variant in disease. Therefore, it has been classified as a Variant of Uncertain Significance. Algorithms developed to predict the effect of missense changes on protein structure and function (SIFT, PolyPhen-2, Align-GVGD) all suggest that this variant is likely to be tolerated, but these predictions have not been confirmed by published functional studies and their clinical significance is uncertain.